The following is an entry in ClinVar:

ClinVar aggregate classification (germline): Likely benign (1 of 4 stars; one submission).

Allele frequency attached by ClinVar (database versions not stated): TOPMed 0.00006; gnomAD 0.00018; 1000 Genomes Project 0.00160; 1000 Genomes Project 30x 0.00172.
gnomAD v4.1: 557 of 1,614,080 alleles (0.035%); highest among the groups gnomAD compares: South Asian, 0.57%; 6 homozygotes.

Submission:

CeGaT Center for Human Genetics Tuebingen
Classification: Likely benign. Last evaluated: 2022-12-01. Review status: criteria provided, single submitter. Criteria: CeGaT Center For Human Genetics Tuebingen Variant Classification Criteria Version 2. Collection method: clinical testing. Allele origin: germline. Affected: yes. Observed: 1 variant allele.
Comment: MTMR9: BS2

NM_015458.4(MTMR9):c.466C>G (p.Pro156Ala)

Gene: MTMR9 (myotubularin related protein 9). Cytogenetic location: 8p23.1.
Variant type: single nucleotide variant.
Coding change: c.466C>G on transcript NM_015458.4 (MANE Select); coding-DNA position 466, C replaced by G.
Protein change: p.Pro156Ala; replaces proline 156 with alanine.
Molecular consequence: missense variant.
Genome position (GRCh38, 1-based): chr8:11,304,889, C>G. VCF-style: chr8-11304889-C-G. GRCh37 (hg19) VCF-style: chr8-11162398-C-G.
Other names: short protein forms P156A.
Identifiers: ClinVar variation 2658401 (VCV002658401.24), dbSNP rs558748030, ClinGen allele CA4628301.